The following is an entry in ClinVar:

NM_001161352.2(KCNMA1):c.3425A>G (p.Asp1142Gly)

Genes: KCNMA1 (potassium calcium-activated channel subfamily M alpha 1; minus strand), KCNMA1-AS1 (KCNMA1 antisense RNA 1; plus strand). Cytogenetic location: 10q22.3.
Variant type: single nucleotide variant.
Coding change: c.3425A>G on transcript NM_001161352.2 (MANE Select); coding-DNA position 3425, A replaced by G.
Protein change: p.Asp1142Gly; replaces aspartic acid 1142 with glycine.
Molecular consequence: missense variant.
Genome position (GRCh38, 1-based): chr10:76,889,487, T>C on the plus strand (A>G on the coding strand, the complement: KCNMA1 is on the minus strand). VCF-style: chr10-76889487-T-C. GRCh37 (hg19) VCF-style: chr10-78649245-T-C.
Other names: c.3263A>G, p.Asp1088Gly (NM_001014797.3); c.3374A>G, p.Asp1125Gly (NM_001161353.2); c.3101A>G, p.Asp1034Gly (NM_001271518.2); c.3341A>G, p.Asp1114Gly (NM_001271519.2); c.3260A>G, p.Asp1087Gly (NM_001322829.2, NM_001322836.2); c.3353A>G, p.Asp1118Gly (NM_001322830.2); c.3251A>G, p.Asp1084Gly (NM_001322832.2, NM_001410940.1, NM_002247.4); c.3344A>G, p.Asp1115Gly (NM_001322835.2, NM_001322837.2); and 1 more; short protein forms D1034G, D1084G, D1087G, D1088G, D1114G, D1115G, D1118G, D1125G.
Identifiers: ClinVar variation 2501827 (VCV002501827.1), dbSNP rs2548100466, ClinGen allele CA377403072.

ClinVar aggregate classification (germline): Uncertain significance (1 of 4 stars; one submission).

Submission:

GeneDx
Classification: Uncertain significance. Last evaluated: 2022-11-10. Review status: criteria provided, single submitter. Criteria: GeneDx Variant Classification Process June 2021. Collection method: clinical testing. Allele origin: germline. Affected: yes.
Comment: Not observed at significant frequency in large population cohorts (gnomAD); In silico analysis supports that this missense variant has a deleterious effect on protein structure/function; Has not been previously published as pathogenic or benign to our knowledge